The following is an entry in ClinVar:

NM_001098511.3(KIF2A):c.665A>G (p.His222Arg)

Gene: KIF2A (kinesin family member 2A; plus strand). Cytogenetic location: 5q12.1.
Variant type: single nucleotide variant.
Coding change: c.665A>G on transcript NM_001098511.3 (MANE Select); coding-DNA position 665, A replaced by G.
Protein change: p.His222Arg; replaces histidine 222 with arginine.
Molecular consequence: missense variant.
Genome position (GRCh38, 1-based): chr5:62,357,701, A>G. VCF-style: chr5-62357701-A-G. GRCh37 (hg19) VCF-style: chr5-61653528-A-G.
Other names: c.584A>G, p.His195Arg (NM_001243952.2); c.608A>G, p.His203Arg (NM_001243953.2); c.665A>G, p.His222Arg (NM_004520.5); short protein forms H195R, H203R, H222R.
Identifiers: ClinVar variation 3026951 (VCV003026951.22), dbSNP rs2531343358, ClinGen allele CA359949591.

ClinVar aggregate classification (germline): Uncertain significance (1 of 4 stars; one submission).

gnomAD v4.1: 1 of 1,544,056 alleles (0.000065%); no homozygotes.

Submission:

CeGaT Center for Human Genetics Tuebingen
Classification: Uncertain significance. Last evaluated: 2024-01-01. Review status: criteria provided, single submitter. Criteria: CeGaT Center For Human Genetics Tuebingen Variant Classification Criteria Version 2. Collection method: clinical testing. Allele origin: germline. Affected: yes. Observed: 1 variant allele.
Comment: KIF2A: PM2